The following is an entry in ClinVar:

NM_005530.3(IDH3A):c.651A>C (p.Glu217Asp)

Gene: IDH3A (isocitrate dehydrogenase (NAD(+)) 3 catalytic subunit alpha; plus strand). Cytogenetic location: 15q25.1.
Variant type: single nucleotide variant.
Coding change: c.651A>C on transcript NM_005530.3 (MANE Select); coding-DNA position 651, A replaced by C.
Protein change: p.Glu217Asp; replaces glutamic acid 217 with aspartic acid.
Molecular consequence: missense variant.
Genome position (GRCh38, 1-based): chr15:78,163,546, A>C. VCF-style: chr15-78163546-A-C. GRCh37 (hg19) VCF-style: chr15-78455888-A-C.
Other names: short protein forms E217D.
Identifiers: ClinVar variation 964508 (VCV000964508.8), dbSNP rs145536563, ClinGen allele CA7680635.

ClinVar aggregate classification (germline): Conflicting classifications of pathogenicity. Review status: criteria provided, conflicting classifications (1 of 4 stars). 3 submissions from 3 submitters: Uncertain significance (2); Likely benign (1). Last evaluated 2025-04-19.

Allele frequency attached by ClinVar (database versions not stated): TOPMed 0.00042; gnomAD 0.00046 and 0.00047; ExAC 0.00049; gnomAD exomes 0.00056 and 0.00039; 1000 Genomes Project 30x 0.00016; 1000 Genomes Project 0.00020; ESP Exome Variant Server 0.00069.
gnomAD v4.1: 877 of 1,613,256 alleles (0.054%); highest among the groups gnomAD compares: Non-Finnish European, 0.072%; no homozygotes.

Submissions (3):

Ambry Genetics
Classification: Uncertain significance. Last evaluated: 2025-04-19. Review status: criteria provided, single submitter. Criteria: Ambry Variant Classification Scheme 2023. Collection method: clinical testing. Allele origin: germline.

Blueprint Genetics
Classification: Likely benign. Last evaluated: 2024-08-21. Review status: criteria provided, single submitter. Criteria: ACMG Guidelines, 2015. Collection method: clinical testing. Allele origin: germline.

Labcorp Genetics (formerly Invitae), Labcorp
Classification: Uncertain significance. Last evaluated: 2022-10-13. Review status: criteria provided, single submitter. Criteria: Invitae Variant Classification Sherloc (09022015). Collection method: clinical testing. Allele origin: germline.
Comment: This sequence change replaces glutamic acid, which is acidic and polar, with aspartic acid, which is acidic and polar, at codon 217 of the IDH3A protein (p.Glu217Asp). This variant is present in population databases (rs145536563, gnomAD 0.08%). This variant has not been reported in the literature in individuals affected with IDH3A-related conditions. ClinVar contains an entry for this variant (Variation ID: 964508). Advanced modeling of protein sequence and biophysical properties (such as structural, functional, and spatial information, amino acid conservation, physicochemical variation, residue mobility, and thermodynamic stability) performed at Invitae indicates that this missense variant is not expected to disrupt IDH3A protein function. In summary, the available evidence is currently insufficient to determine the role of this variant in disease. Therefore, it has been classified as a Variant of Uncertain Significance.